The following is an entry in ClinVar:

NM_007078.3(LDB3):c.790G>A (p.Ala264Thr)

Gene: LDB3 (LIM domain binding 3; plus strand). Cytogenetic location: 10q23.2.
Variant type: single nucleotide variant.
Coding change: c.790G>A on transcript NM_007078.3 (MANE Select); coding-DNA position 790, G replaced by A.
Protein change: p.Ala264Thr; replaces alanine 264 with threonine.
Molecular consequence: missense variant.
Genome position (GRCh38, 1-based): chr10:86,691,996, G>A. VCF-style: chr10-86691996-G-A. GRCh37 (hg19) VCF-style: chr10-88451753-G-A.
Other names: c.649G>A, p.Ala217Thr (NM_001080114.2, NM_001080116.1, NM_001368066.1 and 2 more transcripts); c.790G>A, p.Ala264Thr (NM_001080115.2, NM_001368063.1, NM_001368064.1 and 1 more transcripts); c.994G>A, p.Ala332Thr (NM_001171610.2, NM_001171611.2); short protein forms A264T, A217T, A332T.
Identifiers: ClinVar variation 1391147 (VCV001391147.13), dbSNP rs146414300, ClinGen allele CA5584892.

ClinVar aggregate classification (germline): Uncertain significance. Review status: criteria provided, multiple submitters, no conflicts (2 of 4 stars). 3 submissions from 3 submitters: Uncertain significance (3). Last evaluated 2024-10-04.

Conditions:
Cardiovascular phenotype. Identifiers: MedGen CN230736.
Myofibrillar myopathy 4. Also called: Zaspopathy (type). Identifiers: Orphanet 98912, MedGen C4721886, MONDO:0012277, OMIM 609452.

Allele frequency attached by ClinVar (database versions not stated): gnomAD exomes below 0.00001; ExAC 0.00001; gnomAD 0.00001; TOPMed 0.00001; ESP Exome Variant Server 0.00008.
gnomAD v4.1: 2 of 1,614,174 alleles (0.00012%); highest among the groups gnomAD compares: African/African-American, 0.0013%; no homozygotes.

Submissions (3):

Ambry Genetics
Classification: Uncertain significance for Cardiovascular phenotype. Last evaluated: 2024-10-04. Review status: criteria provided, single submitter. Criteria: Ambry Variant Classification Scheme 2023. Collection method: clinical testing. Allele origin: germline.
Comment: The p.A264T variant (also known as c.790G>A), located in coding exon 5 of the LDB3 gene, results from a G to A substitution at nucleotide position 790. The alanine at codon 264 is replaced by threonine, an amino acid with similar properties. This amino acid position is not well conserved in available vertebrate species, and threonine is the reference amino acid in other vertebrate species. In addition, this alteration is predicted to be tolerated by in silico analysis. Since supporting evidence is limited at this time, the clinical significance of this alteration remains unclear.

ARUP Laboratories, Molecular Genetics and Genomics, ARUP Laboratories
Classification: Uncertain significance. Last evaluated: 2022-06-30. Review status: criteria provided, single submitter. Criteria: ARUP Molecular Germline Variant Investigation Process 2021. Collection method: clinical testing. Allele origin: germline.
Comment: The LDB3 c.649G>A, p.Ala217Thr variant (rs146414300), to our knowledge, is not reported in the medical literature or gene specific databases. This variant is only observed on one allele in the Genome Aggregation Database, indicating it is not a common polymorphism. The alanine at codon 217 is highly conserved, but computational analyses predict that this variant is neutral (REVEL: 0.144). However, given the lack of clinical and functional data, the significance of the p.Ala217Thr variant is uncertain at this time.

Labcorp Genetics (formerly Invitae), Labcorp
Classification: Uncertain significance for Myofibrillar myopathy 4. Last evaluated: 2021-02-22. Review status: criteria provided, single submitter. Criteria: Invitae Variant Classification Sherloc (09022015). Collection method: clinical testing. Allele origin: germline.
Comment: In summary, the available evidence is currently insufficient to determine the role of this variant in disease. Therefore, it has been classified as a Variant of Uncertain Significance. Algorithms developed to predict the effect of missense changes on protein structure and function output the following: SIFT: "Tolerated"; PolyPhen-2: "Benign"; Align-GVGD: "Class C0". The threonine amino acid residue is found in multiple mammalian species, suggesting that this missense change does not adversely affect protein function. These predictions have not been confirmed by published functional studies and their clinical significance is uncertain. This sequence change replaces alanine with threonine at codon 217 of the LDB3 protein (p.Ala217Thr). The alanine residue is moderately conserved and there is a small physicochemical difference between alanine and threonine. This variant is present in population databases (rs146414300, ExAC 0.01%). This variant has not been reported in the literature in individuals with LDB3-related conditions.